The following is an entry in ClinVar:

ClinVar aggregate classification (germline): Uncertain significance (1 of 4 stars; one submission).

Conditions:
Generalized epilepsy-paroxysmal dyskinesia syndrome (PNKD3). Also called: Generalized epilepsy and paroxysmal dyskinesia; Paroxysmal nonkinesigenic dyskinesia, 3, with or without generalized epilepsy. Identifiers: Orphanet 79137, MedGen C5574945, MONDO:0012276, OMIM 609446.

Allele frequency attached by ClinVar (database versions not stated): TOPMed below 0.00001.

Submission:

Labcorp Genetics (formerly Invitae), Labcorp
Classification: Uncertain significance for Generalized epilepsy-paroxysmal dyskinesia syndrome. Last evaluated: 2024-12-12. Review status: criteria provided, single submitter. Criteria: Invitae Variant Classification Sherloc (09022015). Collection method: clinical testing. Allele origin: germline.
Comment: This sequence change replaces leucine, which is neutral and non-polar, with histidine, which is basic and polar, at codon 23 of the KCNMA1 protein (p.Leu23His). This variant is not present in population databases (gnomAD no frequency). This variant has not been reported in the literature in individuals affected with KCNMA1-related conditions. ClinVar contains an entry for this variant (Variation ID: 3002978). An algorithm developed to predict the effect of missense changes on protein structure and function (PolyPhen-2) suggests that this variant is likely to be disruptive. In summary, the available evidence is currently insufficient to determine the role of this variant in disease. Therefore, it has been classified as a Variant of Uncertain Significance.

NM_001161352.2(KCNMA1):c.68T>A (p.Leu23His)

Gene: KCNMA1 (potassium calcium-activated channel subfamily M alpha 1; minus strand). Cytogenetic location: 10q22.3.
Variant type: single nucleotide variant.
Coding change: c.68T>A on transcript NM_001161352.2 (MANE Select); coding-DNA position 68, T replaced by A.
Protein change: p.Leu23His; replaces leucine 23 with histidine.
Molecular consequence: missense variant.
Genome position (GRCh38, 1-based): chr10:77,637,575, A>T on the plus strand (T>A on the coding strand, the complement: KCNMA1 is on the minus strand). VCF-style: chr10-77637575-A-T. GRCh37 (hg19) VCF-style: chr10-79397333-A-T.
Other names: c.68T>A, p.Leu23His (NM_001014797.3, NM_001161353.2, NM_001271518.2 and 13 more transcripts); short protein forms L23H.
Identifiers: ClinVar variation 3002978 (VCV003002978.3), dbSNP rs1411383112, ClinGen allele CA377412835.